The following is an entry in ClinVar:

ClinVar aggregate classification (germline): Pathogenic (1 of 4 stars; one submission).

Conditions:
Hereditary cancer-predisposing syndrome. Also called: Hereditary Cancer Syndrome; Hereditary neoplastic syndrome; Neoplastic Syndromes, Hereditary; Tumor predisposition. Identifiers: Orphanet 140162, MedGen C0027672, MeSH D009386, MONDO:0015356.

Submission:

Ambry Genetics
Classification: Pathogenic for Hereditary cancer-predisposing syndrome. Last evaluated: 2024-07-17. Review status: criteria provided, single submitter. Criteria: Ambry Variant Classification Scheme 2023. Collection method: clinical testing. Allele origin: germline.
Comment: The c.1509+1G>A intronic pathogenic mutation results from a G to A substitution one nucleotide after coding exon 8 of the DICER1 gene. This variant has been observed in at least one individual with a personal history that is consistent with DICER1-related tumor predisposition syndrome (Ambry internal data). This nucleotide position is highly conserved in available vertebrate species. In silico splice site analysis predicts that this alteration will weaken the native splice donor site. RNA studies have demonstrated that this alteration results in abnormal splicing in the set of samples tested (Ambry internal data). This variant is considered to be rare based on population cohorts in the Genome Aggregation Database (gnomAD). Alterations that disrupt the canonical splice site are expected to cause aberrant splicing, resulting in an abnormal protein or a transcript that is subject to nonsense-mediated mRNA decay. Based on the supporting evidence, this variant is interpreted as a disease-causing mutation.

NM_177438.3(DICER1):c.1509+1G>A

Gene: DICER1 (dicer 1, ribonuclease III; minus strand). Cytogenetic location: 14q32.13.
Variant type: single nucleotide variant.
Coding change: c.1509+1G>A on transcript NM_177438.3 (MANE Select); the canonical splice donor site of the intron after coding-DNA position 1509, G replaced by A.
Molecular consequence: splice donor variant.
Genome position (GRCh38, 1-based): chr14:95,117,621, C>T on the plus strand (G>A on the coding strand, the complement: DICER1 is on the minus strand). VCF-style: chr14-95117621-C-T. GRCh37 (hg19) VCF-style: chr14-95583958-C-T.
Other names: c.1509+1G>A (NM_001291628.2, NM_030621.4, NM_001395677.1 and 12 more transcripts); c.1104+1G>A (NM_001395690.1, NM_001395687.1, NM_001395689.1 and 3 more transcripts); c.1227+1G>A (NM_001395686.1); c.942+1G>A (NM_001395691.1); c.-60+1G>A (NM_001395697.1).
Identifiers: ClinVar variation 1774127 (VCV001774127.3), dbSNP rs2543059779, ClinGen allele CA390885356.